The following is an entry in ClinVar:

NM_001382430.1(AKT1):c.754T>G (p.Phe252Val)

Gene: AKT1 (AKT serine/threonine kinase 1; minus strand). Cytogenetic location: 14q32.33.
Variant type: single nucleotide variant.
Coding change: c.754T>G on transcript NM_001382430.1 (MANE Select); coding-DNA position 754, T replaced by G.
Protein change: p.Phe252Val; replaces phenylalanine 252 with valine.
Molecular consequence: missense variant.
Genome position (GRCh38, 1-based): chr14:104,773,529, A>C on the plus strand (T>G on the coding strand, the complement: AKT1 is on the minus strand). VCF-style: chr14-104773529-A-C. GRCh37 (hg19) VCF-style: chr14-105239866-A-C.
Other names: c.754T>G, p.Phe252Val (NM_001014431.2, NM_001014432.2, NM_001382431.1 and 3 more transcripts); short protein forms F252V.
Identifiers: ClinVar variation 1759487 (VCV001759487.2), dbSNP rs2140906952, ClinGen allele CA391218403.

ClinVar aggregate classification (germline): Uncertain significance (1 of 4 stars; one submission).

Conditions:
Inborn genetic diseases. Identifiers: MedGen C0950123, MeSH D030342.

Submission:

Ambry Genetics
Classification: Uncertain significance for Inborn genetic diseases. Last evaluated: 2021-12-11. Review status: criteria provided, single submitter. Criteria: Ambry Variant Classification Scheme 2023. Collection method: clinical testing. Allele origin: germline.
Comment: The p.F252V variant (also known as c.754T>G), located in coding exon 8 of the AKT1 gene, results from a T to G substitution at nucleotide position 754. The phenylalanine at codon 252 is replaced by valine, an amino acid with highly similar properties. This amino acid position is conserved. In addition, this alteration is predicted to be deleterious by in silico analysis. Since supporting evidence is limited at this time, the clinical significance of this alteration remains unclear.